The following is an entry in ClinVar:

NM_000327.4(ROM1):c.618_623del (p.Tyr207_Leu208del)

Gene: ROM1 (retinal outer segment membrane protein 1; plus strand). Cytogenetic location: 11q12.3.
Variant type: Deletion.
Coding change: c.618_623del on transcript NM_000327.4 (MANE Select); coding-DNA positions 618 to 623, 6 bases deleted (ATACCT; older notation c.618_623delATACCT).
Protein change: p.Tyr207_Leu208del.
Molecular consequence: inframe deletion.
Genome position (GRCh38, 1-based): chr11:62,614,285-62,614,290, ATACCT deleted; deleting any 6 consecutive bases within chr11:62,614,282-62,614,290 gives the same sequence; the c. name uses the placement nearest the transcript's 3' end. VCF-style (leftmost placement, unchanged base first): chr11-62614281-GCCTATA-G. GRCh37 (hg19) VCF-style: chr11-62381753-GCCTATA-G.
Identifiers: ClinVar variation 938061 (VCV000938061.10), dbSNP rs1180769967, ClinGen allele CA679040468.

ClinVar aggregate classification (germline): Uncertain significance. Review status: criteria provided, multiple submitters, no conflicts (2 of 4 stars). 2 submissions from 2 submitters: Uncertain significance (2). Last evaluated 2022-04-22.

Submissions (2):

Labcorp Genetics (formerly Invitae), Labcorp
Classification: Uncertain significance. Last evaluated: 2022-04-22. Review status: criteria provided, single submitter. Criteria: Invitae Variant Classification Sherloc (09022015). Collection method: clinical testing. Allele origin: germline.
Comment: In summary, the available evidence is currently insufficient to determine the role of this variant in disease. Therefore, it has been classified as a Variant of Uncertain Significance. Experimental studies and prediction algorithms are not available or were not evaluated, and the functional significance of this variant is currently unknown. ClinVar contains an entry for this variant (Variation ID: 938061). This variant has not been reported in the literature in individuals affected with ROM1-related conditions. This variant is not present in population databases (gnomAD no frequency). This variant, c.618_623del, results in the deletion of 2 amino acid(s) of the ROM1 protein (p.Tyr207_Leu208del), but otherwise preserves the integrity of the reading frame.

Blueprint Genetics
Classification: Uncertain significance. Last evaluated: 2022-04-20. Review status: criteria provided, single submitter. Criteria: ACMG Guidelines, 2015. Collection method: clinical testing. Allele origin: germline.